The following is an entry in ClinVar:

ClinVar aggregate classification (germline): Uncertain significance. Review status: criteria provided, multiple submitters, no conflicts (2 of 4 stars). 3 submissions from 3 submitters: Uncertain significance (3). Last evaluated 2023-07-20.

Conditions:
Primary ciliary dyskinesia. Also called: Ciliary dyskinesia. Identifiers: Orphanet 244, MedGen C0008780, MONDO:0016575, HP:0012265.

Allele frequency attached by ClinVar (database versions not stated): ExAC 0.00005; gnomAD exomes 0.00006; gnomAD 0.00007 and 0.00008; TOPMed 0.00007.
gnomAD v4.1: 230 of 1,613,412 alleles (0.014%); highest among the groups gnomAD compares: Non-Finnish European, 0.018%; 1 homozygote.

Submissions (3):

Blueprint Genetics
Classification: Uncertain significance. Last evaluated: 2023-07-20. Review status: criteria provided, single submitter. Criteria: ACMG Guidelines, 2015. Collection method: clinical testing. Allele origin: germline.

Labcorp Genetics (formerly Invitae), Labcorp
Classification: Uncertain significance for Primary ciliary dyskinesia. Last evaluated: 2022-07-05. Review status: criteria provided, single submitter. Criteria: Invitae Variant Classification Sherloc (09022015). Collection method: clinical testing. Allele origin: germline.
Comment: This sequence change replaces alanine, which is neutral and non-polar, with threonine, which is neutral and polar, at codon 666 of the DNAAF5 protein (p.Ala666Thr). This variant is present in population databases (rs750935190, gnomAD 0.01%). This variant has not been reported in the literature in individuals affected with DNAAF5-related conditions. ClinVar contains an entry for this variant (Variation ID: 576747). Algorithms developed to predict the effect of missense changes on protein structure and function are either unavailable or do not agree on the potential impact of this missense change (SIFT: "Deleterious"; PolyPhen-2: "Probably Damaging"; Align-GVGD: "Class C0"). In summary, the available evidence is currently insufficient to determine the role of this variant in disease. Therefore, it has been classified as a Variant of Uncertain Significance.

Ambry Genetics
Classification: Uncertain significance for Primary ciliary dyskinesia. Last evaluated: 2018-08-10. Review status: criteria provided, single submitter. Criteria: Ambry Variant Classification Scheme 2023. Collection method: clinical testing. Allele origin: germline.
Comment: The p.A666T variant (also known as c.1996G>A), located in coding exon 10 of the DNAAF5 gene, results from a G to A substitution at nucleotide position 1996. The alanine at codon 666 is replaced by threonine, an amino acid with similar properties. This amino acid position is highly conserved in available vertebrate species. In addition, the in silico prediction for this alteration is inconclusive. Since supporting evidence is limited at this time, the clinical significance of this alteration remains unclear.

NM_017802.4(DNAAF5):c.1996G>A (p.Ala666Thr)

Gene: DNAAF5 (dynein axonemal assembly factor 5; plus strand). Cytogenetic location: 7p22.3.
Variant type: single nucleotide variant.
Coding change: c.1996G>A on transcript NM_017802.4 (MANE Select); coding-DNA position 1996, G replaced by A.
Protein change: p.Ala666Thr; replaces alanine 666 with threonine.
Molecular consequence: missense variant. On other transcripts: non-coding transcript variant (1).
Genome position (GRCh38, 1-based): chr7:774,112, G>A. VCF-style: chr7-774112-G-A. GRCh37 (hg19) VCF-style: chr7-813749-G-A.
Other names: short protein forms A666T.
Identifiers: ClinVar variation 576747 (VCV000576747.10), dbSNP rs750935190, ClinGen allele CA4111035.
Genomic context (GRCh38, chr7:774,112, plus strand): 5'-TTTCCCAGCTACCTCGAGACGGTGACAAAGGACATCCTGGCCCCCAATCTGCAGTGGCAT[G>A]CGGGGAGGACAGCCGCGGCCATCCGCACGGCTGCCGTGTCCTGCCTCTGGGCGCTCACCA-3'
Protein context (NP_060272.3, residues 656-676): DILAPNLQWH[Ala666Thr]GRTAAAIRTA